The following is an entry in ClinVar:

ClinVar aggregate classification (germline): Conflicting classifications of pathogenicity. Review status: criteria provided, conflicting classifications (1 of 4 stars). 12 submissions from 12 submitters: Uncertain significance (1); Benign (5); Likely benign (4). 2 of the submissions do not count toward it. Last evaluated 2026-08-01.

Conditions:
Familial temporal lobe epilepsy 7. Identifiers: Orphanet 101046, MedGen C4225327, MONDO:0014639, OMIM 616436.
Norman-Roberts syndrome (LIS2). Also called: Lissencephaly 2 (Norman-Roberts type). Identifiers: Orphanet 89844, MedGen C0796089, MONDO:0009760, OMIM 257320.

Allele frequency attached by ClinVar (database versions not stated): 1000 Genomes Project 30x 0.00125; 1000 Genomes Project 0.00140; TOPMed 0.00301; gnomAD exomes 0.00325 and 0.00458; ExAC 0.00331; gnomAD 0.00357 and 0.00361; ESP Exome Variant Server 0.00369.
gnomAD v4.1: 7,191 of 1,614,054 alleles (0.45%); highest among the groups gnomAD compares: Non-Finnish European, 0.53%; 19 homozygotes.

Submissions (12):

CeGaT Center for Human Genetics Tuebingen
Classification: Likely benign. Last evaluated: 2026-08-01. Review status: criteria provided, single submitter. Criteria: CeGaT Center For Human Genetics Tuebingen Variant Classification Criteria Version 2. Collection method: clinical testing. Allele origin: germline. Affected: yes. Observed: 62 variant alleles.
Comment: RELN: BS2

Labcorp Genetics (formerly Invitae), Labcorp
Classification: Benign for Familial temporal lobe epilepsy 7; Norman-Roberts syndrome. Last evaluated: 2026-01-26. Review status: criteria provided, single submitter. Criteria: Invitae Variant Classification Sherloc (09022015). Collection method: clinical testing. Allele origin: germline.

ARUP Laboratories, Molecular Genetics and Genomics, ARUP Laboratories
Classification: Likely benign. Last evaluated: 2025-05-16. Review status: criteria provided, single submitter. Criteria: ARUP Molecular Germline Variant Investigation Process 2024. Collection method: clinical testing. Allele origin: germline.

Blueprint Genetics
Classification: Likely benign. Last evaluated: 2024-11-23. Review status: criteria provided, single submitter. Criteria: ACMG Guidelines, 2015. Collection method: clinical testing. Allele origin: germline.

Athena Diagnostics
Classification: Benign. Last evaluated: 2024-07-30. Review status: criteria provided, single submitter. Criteria: Athena Diagnostics Criteria. Collection method: clinical testing. Allele origin: unknown.

GeneDx
Classification: Benign. Last evaluated: 2019-12-17. Review status: criteria provided, single submitter. Criteria: GeneDx Variant Classification Process June 2021. Collection method: clinical testing. Allele origin: germline. Affected: yes.
Comment: This variant is associated with the following publications: (PMID: 19435634, 25648840, 17366345, 16311013)

Illumina Laboratory Services, Illumina
Classification: Uncertain significance for Norman-Roberts syndrome. Last evaluated: 2017-04-27. Review status: criteria provided, single submitter. Criteria: ICSL Variant Classification Criteria 13 December 2019. Collection method: clinical testing. Allele origin: germline.
Comment: This variant was observed as part of a predisposition screen in an ostensibly healthy population. A literature search was performed for the gene, cDNA change, and amino acid change (where applicable). Publications were found based on this search. However, the evidence from the literature, in combination with allele frequency data from public databases where available, was not sufficient to rule this variant in or out of causing disease. Therefore, this variant is classified as a variant of unknown significance.

Center for Pediatric Genomic Medicine, Children's Mercy Hospital and Clinics
Classification: Likely benign. Last evaluated: 2016-09-15. Review status: criteria provided, single submitter. Criteria: ACMG Guidelines, 2015. Collection method: clinical testing. Allele origin: germline.
ClinVar note: Converted during submission from Likely Benign to Likely benign.

Genetic Services Laboratory, University of Chicago
Classification: Benign. Last evaluated: 2016-08-12. Review status: criteria provided, single submitter. Criteria: ACMG Guidelines, 2015. Collection method: clinical testing. Allele origin: germline. Affected: no.

Eurofins Ntd Llc (ga)
Classification: Benign. Last evaluated: 2015-03-26. Review status: criteria provided, single submitter. Criteria: EGL Classification Definitions 2015. Collection method: clinical testing. Allele origin: germline. Observed: 2 variant alleles, 2 heterozygotes.

Clinical Genetics DNA and cytogenetics Diagnostics Lab, Erasmus MC, Erasmus Medical Center
Classification: Likely benign. Review status: no assertion criteria provided. Collection method: clinical testing. Allele origin: germline. Affected: yes. Study: VKGL Data-share Consensus. Not counted in ClinVar's aggregate classification.

Clinical Genetics, Academic Medical Center
Classification: Benign. Review status: no assertion criteria provided. Collection method: clinical testing. Allele origin: germline. Affected: yes. Study: VKGL Data-share Consensus. Not counted in ClinVar's aggregate classification.

Literature cited by the submitters: PubMed 21549172 (cited by Athena Diagnostics); PubMed 35668055 (cited by Athena Diagnostics); PubMed 19435634 (cited by Athena Diagnostics and Illumina Laboratory Services, Illumina); PubMed 16311013 (cited by Athena Diagnostics and Illumina Laboratory Services, Illumina); PubMed 17366345 (cited by Athena Diagnostics); PubMed 25648840 (cited by Athena Diagnostics).

NM_005045.4(RELN):c.5108C>G (p.Pro1703Arg)

Gene: RELN (reelin; minus strand). Cytogenetic location: 7q22.1.
Variant type: single nucleotide variant.
Coding change: c.5108C>G on transcript NM_005045.4 (MANE Select); coding-DNA position 5108, C replaced by G.
Protein change: p.Pro1703Arg; replaces proline 1703 with arginine.
Molecular consequence: missense variant.
Genome position (GRCh38, 1-based): chr7:103,565,380, G>C on the plus strand (C>G on the coding strand, the complement: RELN is on the minus strand). VCF-style: chr7-103565380-G-C. GRCh37 (hg19) VCF-style: chr7-103205827-G-C.
Other names: c.5108C>G, p.Pro1703Arg (NM_173054.3); short protein forms P1703R.
Identifiers: ClinVar variation 130125 (VCV000130125.73), dbSNP rs2229860, ClinGen allele CA154919.
Genomic context (GRCh38, chr7:103,565,380, plus strand): 5'-TGGAATCTTTCCGAGGTGTAAATTGAACTTTCCGTGTAATGCAGACAGCCAATGGTTGGA[G>C]GAACACACTCTTCGGTGACAAGATGCCAGTCCTTGCCATTGTTCAGAGAATACTGGAGCT-3'
Protein context (NP_005036.2, residues 1693-1713): DWHLVTEECV[Pro1703Arg]PTIGCLHYTE